The following is an entry in ClinVar:

ClinVar aggregate classification (germline): Pathogenic/Likely pathogenic. Review status: criteria provided, multiple submitters, no conflicts (2 of 4 stars). 6 submissions from 6 submitters: Pathogenic (4); Likely pathogenic (2). Last evaluated 2024-06-11.

Conditions:
DMD-related disorder. Also called: DMD-related condition.
Neuromuscular disease caused by qualitative or quantitative defects of dystrophin. Also called: Qualitative or quantitative defects of dystrophin. Identifiers: Orphanet 207085, MedGen C5679787, MONDO:0016147.
Duchenne muscular dystrophy (DMD). Also called: Duchenne Muscular Dystrophy (DMD); MUSCULAR DYSTROPHY, PSEUDOHYPERTROPHIC PROGRESSIVE, DUCHENNE TYPE. Identifiers: Orphanet 98896, MedGen C0013264, MONDO:0010679, OMIM 310200.

Submissions (6):

GeneDx
Classification: Pathogenic. Last evaluated: 2024-06-11. Review status: criteria provided, single submitter. Criteria: GeneDx Variant Classification Process June 2021. Collection method: clinical testing. Allele origin: germline. Affected: yes.
Comment: Published functional studies demonstrate a damaging effect, as RT-PCR of patient muscle shows the variant causes a cryptic 5' splice site activation, leading to an abnormal transcript in the presence of residual wild type transcript (PMID: 19602481, 23536893); No data available from control populations to assess the frequency of this variant; This variant is associated with the following publications: (PMID: 23536893, 14659407, 19602481, 17041906, 32176650, Kumaraku2022[Article], 19367636, 28597072, 35165973, 34297739)

Labcorp Genetics (formerly Invitae), Labcorp
Classification: Pathogenic for Duchenne muscular dystrophy. Last evaluated: 2024-03-16. Review status: criteria provided, single submitter. Criteria: Invitae Variant Classification Sherloc (09022015). Collection method: clinical testing. Allele origin: germline.
Comment: This sequence change falls in intron 62 of the DMD gene. It does not directly change the encoded amino acid sequence of the DMD protein. RNA analysis indicates that this variant induces altered splicing and may result in an absent or disrupted protein product. The frequency data for this variant in the population databases is considered unreliable, as metrics indicate insufficient coverage at this position in the gnomAD database. This variant has been observed in individual(s) with Becker muscular dystrophy (PMID: 14659407, 19602481, 23536893, 34297739; Invitae). ClinVar contains an entry for this variant (Variation ID: 94837). Studies have shown that this variant results in activation of a cryptic splice site and introduces a premature termination codon (PMID: 14659407, 19602481, 23536893). The resulting mRNA is expected to undergo nonsense-mediated decay. For these reasons, this variant has been classified as Pathogenic.

Women's Health and Genetics/Laboratory Corporation of America, LabCorp
Classification: Pathogenic for Neuromuscular disease caused by qualitative or quantitative defects of dystrophin. Last evaluated: 2022-08-10. Review status: criteria provided, single submitter. Criteria: LabCorp Variant Classification Summary - May 2015. Collection method: clinical testing. Allele origin: germline.
Comment: Variant summary: DMD c.9225-647A>G is located deep within intron 62, far from canonical splice sites. However, several computational tools predict a significant impact on normal splicing: Four predict the variant strengthens a cryptic 5' donor site. Several publications have given experimental evidence confirming that this variant affects mRNA splicing, which results in a frameshift caused by inclusion of a 67nt pseudoexon (e.g. Daoud_2009, Juan-Mateu_2013). The variant was absent in 21957 control chromosomes (gnomAD), and c.9225-647A>G has been reported in the literature in individuals affected with Duchenne Muscular Dystrophy, and Becker's Muscular Dystrophy with some reports of cognitive impairment (e.g.Deburgrave_2007, Daoud_2009, Juan-Mateu_2013, Yun_2021, Waldrop_2022). These data indicate that the variant is likely to be associated with disease. Western blot analysis of patient muscle biopsies have shown that the variant causes weak/trace levels of the Dystrophin protein, including complete loss of one specific DMD product, Dp71 (Daoud_2009). Four ClinVar submitters have assessed the variant since 2014: all classified the variant as likely pathogenic. Based on the evidence outlined above, the variant was classified as pathogenic.

Blueprint Genetics
Classification: Likely pathogenic for DMD-related disorders. Last evaluated: 2019-12-10. Review status: criteria provided, single submitter. Criteria: ACMG Guidelines, 2015. Collection method: clinical testing. Allele origin: germline. Affected: yes. Observed: 1 variant allele.

Illumina Laboratory Services, Illumina
Classification: Likely pathogenic for Dystrophinopathies. Last evaluated: 2019-02-13. Review status: criteria provided, single submitter. Criteria: ICSLVariantClassificationCriteria RUGD 01 April 2020. Collection method: clinical testing. Allele origin: unknown.
Comment: The DMD c.9225-647A>G variant is an intronic variant that has been reported in a hemizygous state in two unrelated individuals with Becker muscular dystrophy, one of whom also exhibited intellectual disability (Daoud et al. 2009; Juan-Mateu et al. 2013). A third individual with Becker muscular dystrophy and intellectual disability was reported to have an A>G nucleotide change in intron 62 that led to aberrant splicing and out-of-frame insertion of 67 nucleotides; however, the variant identified could not be confirmed as c.9225-647A>G (BÃ©roud et al. 2004). In two of these reported cases, the variant was shown to have been inherited from the mother. The c.9225-647A>G variant was absent from the X chromosomes of 1200 normal controls and is absent from the Genome Aggregation Database in a region of adequate coverage for genomes. This region is not covered in exome sequencing. Multiple in silico tools predict this nucleotide change affects splicing, and RT-PCR analysis of RNA isolated from all affected patients has demonstrated that the variant results in aberrant use of a cryptic splice site, out-of-frame pseudoexon inclusion, and a prematurely truncated transcript. Semi-quantitative analysis suggested the abnormal transcript dominated expression over the full-length form, consistent with reduced dystrophin protein expression observed in patient muscle biopsy. Based on the collective evidence, the c.9225-647A>G variant is classified as likely pathogenic for dystrophinopathy.

Eurofins Ntd Llc (ga)
Classification: Pathogenic. Last evaluated: 2014-04-29. Review status: criteria provided, single submitter. Criteria: EGL Classification Definitions 2015. Collection method: clinical testing. Allele origin: germline. Observed: 3 variant alleles, 1 heterozygote, 2 hemizygotes.

Literature cited by the submitters: PubMed 14659407 (cited by Labcorp Genetics (formerly Invitae), Labcorp and Illumina Laboratory Services, Illumina); PubMed 19602481 (cited by 4 submitters); PubMed 23536893 (cited by 3 submitters); PubMed 34297739 (cited by Labcorp Genetics (formerly Invitae), Labcorp and Women's Health and Genetics/Laboratory Corporation of America, LabCorp); PubMed 17041906 (cited by Women's Health and Genetics/Laboratory Corporation of America, LabCorp); PubMed 35165973 (cited by Women's Health and Genetics/Laboratory Corporation of America, LabCorp).

NM_004006.3(DMD):c.9225-647A>G

Gene: DMD (dystrophin; minus strand). Cytogenetic location: Xp21.2.
Variant type: single nucleotide variant.
Coding change: c.9225-647A>G on transcript NM_004006.3 (MANE Select); 647 bases into the intron before coding-DNA position 9225, A replaced by G.
Molecular consequence: intron variant.
Genome position (GRCh38, 1-based): chrX:31,261,663, T>C on the plus strand (A>G on the coding strand, the complement: DMD is on the minus strand). VCF-style: chrX-31261663-T-C. GRCh37 (hg19) VCF-style: chrX-31279780-T-C.
Other names: c.9201-647A>G (NM_000109.4); c.5202-647A>G (NM_004011.4); c.5193-647A>G (NM_004012.4); c.1845-647A>G (NM_004023.3, NM_004020.4, NM_004022.3 and 2 more transcripts); c.1038-647A>G (NM_004014.3); c.21-647A>G (NM_004018.3, NM_004017.3, NM_004016.3 and 2 more transcripts); c.9213-647A>G (NM_004009.3); c.8856-647A>G (NM_004010.3).
Identifiers: ClinVar variation 94837 (VCV000094837.23), dbSNP rs398124091, ClinGen allele CA267181.
Genomic context (GRCh38, chrX:31,261,663, plus strand): 5'-AGAGTGTTTTTTCTTTAAACGCAGTACGCTATACACCACTACACCTCTTCCTATATTTAC[T>C]TGGGCCTGAATGAAGCATTCACAGCTGTCTTCCATTTCTTGAAGTGTGGTTGCTGGCTAT-3'